The following is an entry in ClinVar:

ClinVar aggregate classification (germline): Uncertain significance. Review status: criteria provided, multiple submitters, no conflicts (2 of 4 stars). 2 submissions from 2 submitters: Uncertain significance (2). Last evaluated 2025-11-19.

Conditions:
Inborn genetic diseases. Identifiers: MedGen C0950123, MeSH D030342.

gnomAD v4.1: 19 of 1,613,828 alleles (0.0012%); highest among the groups gnomAD compares: African/African-American, 0.011%; no homozygotes.

Submissions (2):

Ambry Genetics
Classification: Uncertain significance for Inborn genetic diseases. Last evaluated: 2025-11-19. Review status: criteria provided, single submitter. Criteria: Ambry Variant Classification Scheme 2023. Collection method: clinical testing. Allele origin: germline.

Labcorp Genetics (formerly Invitae), Labcorp
Classification: Uncertain significance. Last evaluated: 2023-12-11. Review status: criteria provided, single submitter. Criteria: Invitae Variant Classification Sherloc (09022015). Collection method: clinical testing. Allele origin: germline.
Comment: This sequence change replaces glycine, which is neutral and non-polar, with aspartic acid, which is acidic and polar, at codon 15 of the NDUFA13 protein (p.Gly15Asp). This variant is present in population databases (rs534234427, gnomAD 0.02%). This variant has not been reported in the literature in individuals affected with NDUFA13-related conditions. ClinVar contains an entry for this variant (Variation ID: 2198472). An algorithm developed to predict the effect of missense changes on protein structure and function (PolyPhen-2) suggests that this variant is likely to be disruptive. In summary, the available evidence is currently insufficient to determine the role of this variant in disease. Therefore, it has been classified as a Variant of Uncertain Significance.

NM_015965.7(NDUFA13):c.44G>A (p.Gly15Asp)

Genes: NDUFA13 (NADH:ubiquinone oxidoreductase subunit A13; plus strand), LOC130064074 (ATAC-STARR-seq lymphoblastoid active region 14360; plus strand). Cytogenetic location: 19p13.11.
Variant type: single nucleotide variant.
Coding change: c.44G>A on transcript NM_015965.7 (MANE Select); coding-DNA position 44, G replaced by A.
Protein change: p.Gly15Asp; replaces glycine 15 with aspartic acid.
Molecular consequence: missense variant.
Genome position (GRCh38, 1-based): chr19:19,516,282, G>A. VCF-style: chr19-19516282-G-A. GRCh37 (hg19) VCF-style: chr19-19627091-G-A.
Other names: c.44G>A (NM_015965.6); short protein forms G15D.
Identifiers: ClinVar variation 2198472 (VCV002198472.5), dbSNP rs534234427, ClinGen allele CA9327621.
Genomic context (GRCh38, chr19:19,516,282, plus strand): 5'-TGTGGGATACTGCGAGTATGGCGGCGTCAAAGGTGAAGCAGGACATGCCTCCGCCGGGGG[G>A]CTATGGGCCCATCGACTACAAACGGAACTTGCCGCGTCGAGGACTGTCGGGTCAGTATCA-3'
Protein context (NP_057049.5, residues 5-25): KVKQDMPPPG[Gly15Asp]YGPIDYKRNL